The following is an entry in ClinVar:

ClinVar aggregate classification (germline): Uncertain significance (1 of 4 stars; one submission).

Submission:

Labcorp Genetics (formerly Invitae), Labcorp
Classification: Uncertain significance. Last evaluated: 2021-05-04. Review status: criteria provided, single submitter. Criteria: Invitae Variant Classification Sherloc (09022015). Collection method: clinical testing. Allele origin: germline.
Comment: This variant is not present in population databases (ExAC no frequency). In summary, the available evidence is currently insufficient to determine the role of this variant in disease. Therefore, it has been classified as a Variant of Uncertain Significance. Algorithms developed to predict the effect of missense changes on protein structure and function output the following: SIFT: "Tolerated"; PolyPhen-2: "Benign"; Align-GVGD: "Class C0". The glutamic acid amino acid residue is found in multiple mammalian species, suggesting that this missense change does not adversely affect protein function. These predictions have not been confirmed by published functional studies and their clinical significance is uncertain. This variant has not been reported in the literature in individuals with CENPJ-related conditions. This sequence change replaces aspartic acid with glutamic acid at codon 314 of the CENPJ protein (p.Asp314Glu). The aspartic acid residue is weakly conserved and there is a small physicochemical difference between aspartic acid and glutamic acid.

NM_018451.5(CPAP):c.942T>G (p.Asp314Glu)

Gene: CPAP (centrosome assembly and centriole elongation protein; minus strand). Cytogenetic location: 13q12.13.
Variant type: single nucleotide variant.
Coding change: c.942T>G on transcript NM_018451.5 (MANE Select); coding-DNA position 942, T replaced by G.
Protein change: p.Asp314Glu; replaces aspartic acid 314 with glutamic acid.
Molecular consequence: missense variant. On other transcripts: non-coding transcript variant (2).
Genome position (GRCh38, 1-based): chr13:24,908,050, A>C on the plus strand (T>G on the coding strand, the complement: CPAP is on the minus strand). VCF-style: chr13-24908050-A-C. GRCh37 (hg19) VCF-style: chr13-25482188-A-C.
Other names: short protein forms D314E.
Identifiers: ClinVar variation 1393044 (VCV001393044.8), dbSNP rs1221585439, ClinGen allele CA387589383.
Genomic context (GRCh38, chr13:24,908,050, plus strand): 5'-CATTTCTCACTTTCAACACGAACAATACCTTTCTTCAATATTAGCCACTTCTGAGGAATC[A>C]TCATGTTTTTGTAAGTTCTTATCATTTGCTTCCTGAATCTGTTCTGTCACTTTCTCCCAA-3'
Protein context (NP_060921.3, residues 304-324): EANDKNLQKH[Asp314Glu]DSSEVANIEE